The following is an entry in ClinVar:

ClinVar aggregate classification (germline): Uncertain significance (1 of 4 stars; one submission).

Allele frequency attached by ClinVar (database versions not stated): gnomAD 0.00001; TOPMed 0.00001; gnomAD exomes 0.00002.
gnomAD v4.1: 25 of 1,585,364 alleles (0.0016%); highest among the groups gnomAD compares: Non-Finnish European, 0.002%; no homozygotes.

Submission:

Labcorp Genetics (formerly Invitae), Labcorp
Classification: Uncertain significance. Last evaluated: 2022-08-21. Review status: criteria provided, single submitter. Criteria: Invitae Variant Classification Sherloc (09022015). Collection method: clinical testing. Allele origin: germline.
Comment: This sequence change replaces glycine, which is neutral and non-polar, with valine, which is neutral and non-polar, at codon 75 of the TRAPPC9 protein (p.Gly75Val). This variant is not present in population databases (gnomAD no frequency). This variant has not been reported in the literature in individuals affected with TRAPPC9-related conditions. Algorithms developed to predict the effect of missense changes on protein structure and function output the following: SIFT: "Not Available"; PolyPhen-2: "Benign"; Align-GVGD: "Not Available". The valine amino acid residue is found in multiple mammalian species, which suggests that this missense change does not adversely affect protein function. In summary, the available evidence is currently insufficient to determine the role of this variant in disease. Therefore, it has been classified as a Variant of Uncertain Significance.

NM_031466.8(TRAPPC9):c.-71G>T

Gene: TRAPPC9 (trafficking protein particle complex subunit 9; minus strand). Cytogenetic location: 8q24.3.
Variant type: single nucleotide variant.
Coding change: c.-71G>T on transcript NM_031466.8; 71 bases upstream of the start codon, G replaced by T.
Molecular consequence: 5 prime UTR variant.
Genome position (GRCh38, 1-based): chr8:140,458,341, C>A on the plus strand (G>T on the coding strand, the complement: TRAPPC9 is on the minus strand). VCF-style: chr8-140458341-C-A. GRCh37 (hg19) VCF-style: chr8-141468440-C-A.
Identifiers: ClinVar variation 2171996 (VCV002171996.1), dbSNP rs762081561, ClinGen allele CA4893851.